The following is an entry in ClinVar:

ClinVar aggregate classification (germline): Uncertain significance. Review status: criteria provided, single submitter (1 of 4 stars). 2 submissions from 2 submitters: Uncertain significance (1). 1 of the submissions does not count toward it. Last evaluated 2022-04-06.

Conditions:
Glycogen storage disease type III (GSD3). Also called: Cori disease; FORBES DISEASE. Identifiers: Orphanet 366, MedGen C0017922, MONDO:0009291, OMIM 232400.
AGL-related disorder. Also called: AGL-related condition.

Allele frequency attached by ClinVar (database versions not stated): gnomAD 0.00003; ExAC 0.00004; TOPMed 0.00004; gnomAD exomes 0.00007.
gnomAD v4.1: 108 of 1,613,832 alleles (0.0067%); highest among the groups gnomAD compares: Non-Finnish European, 0.0081%; no homozygotes.

Submissions (2):

Labcorp Genetics (formerly Invitae), Labcorp
Classification: Uncertain significance for Glycogen storage disease type III. Last evaluated: 2022-04-06. Review status: criteria provided, single submitter. Criteria: Invitae Variant Classification Sherloc (09022015). Collection method: clinical testing. Allele origin: germline.
Comment: This sequence change replaces arginine, which is basic and polar, with glutamine, which is neutral and polar, at codon 469 of the AGL protein (p.Arg469Gln). This variant is present in population databases (rs759535258, gnomAD 0.01%). This variant has not been reported in the literature in individuals affected with AGL-related conditions. Algorithms developed to predict the effect of missense changes on protein structure and function (SIFT, PolyPhen-2, Align-GVGD) all suggest that this variant is likely to be tolerated. In summary, the available evidence is currently insufficient to determine the role of this variant in disease. Therefore, it has been classified as a Variant of Uncertain Significance.

PreventionGenetics, part of Exact Sciences
Classification: Uncertain significance for AGL-related condition. Last evaluated: 2024-03-19. Review status: no assertion criteria provided. Collection method: clinical testing. Allele origin: germline. Not counted in ClinVar's aggregate classification.
Comment: The AGL c.1406G>A variant is predicted to result in the amino acid substitution p.Arg469Gln. To our knowledge, this variant has not been reported in the literature. This variant is reported in 0.012% of alleles in individuals of European (Non-Finnish) descent in gnomAD. At this time, the clinical significance of this variant is uncertain due to the absence of conclusive functional and genetic evidence.

NM_000642.3(AGL):c.1406G>A (p.Arg469Gln)

Gene: AGL (amylo-alpha-1,6-glucosidase and 4-alpha-glucanotransferase; plus strand). Cytogenetic location: 1p21.2.
Variant type: single nucleotide variant.
Coding change: c.1406G>A on transcript NM_000642.3 (MANE Select); coding-DNA position 1406, G replaced by A.
Protein change: p.Arg469Gln; replaces arginine 469 with glutamine.
Molecular consequence: missense variant.
Genome position (GRCh38, 1-based): chr1:99,876,580, G>A. VCF-style: chr1-99876580-G-A. GRCh37 (hg19) VCF-style: chr1-100342136-G-A.
Other names: c.1202G>A, p.Arg401Gln (NM_001425328.1, NM_001425329.1); c.1028G>A, p.Arg343Gln (NM_001425332.1); c.1406G>A, p.Arg469Gln (NM_000643.3, NM_000644.3, NM_001425325.1 and 2 more transcripts); c.1358G>A, p.Arg453Gln (NM_000646.3); c.1205G>A, p.Arg402Gln (NM_001425327.1); c.1406G>A (NM_000642.2); short protein forms R453Q, R469Q, R343Q, R401Q, R402Q.
Identifiers: ClinVar variation 1925708 (VCV001925708.3), dbSNP rs759535258, ClinGen allele CA966478.
Genomic context (GRCh38, chr1:99,876,580, plus strand): 5'-CAAATAAAGCTTGTTTTCTGATGGCACACAATGGATGGGTAATGGGAGATGATCCTCTTC[G>A]AAACTTTGCTGAACCGGGTATGTAATTTTTAACTTCTCTGTGGATGGGGAAAGAATAGTT-3'
Protein context (NP_000633.2, residues 459-479): NGWVMGDDPL[Arg469Gln]NFAEPGSEVY